The following is an entry in ClinVar:

NM_000518.5(HBB):c.76_92+27del

Genes: HBB (hemoglobin subunit beta; minus strand), LOC106099062 (HBB recombination region; plus strand), LOC107133510 (origin of replication at HBB; plus strand). Cytogenetic location: 11p15.4.
Variant type: Deletion.
Coding change: c.76_92+27del on transcript NM_000518.5 (MANE Select); coding-DNA position 76 through 27 bases into the intron after coding-DNA position 92, 44 bases deleted.
Molecular consequence: splice donor variant.
Genome position (GRCh38, 1-based): chr11:5,226,903-5,226,946, 44 bases deleted; deleting any 44 consecutive bases within chr11:5,226,903-5,226,947 gives the same sequence; the c. name uses the placement nearest the transcript's 3' end. GRCh37 (hg19): chr11:5,248,134-5,248,177.
Other names: IVS I [3 end] -44 bp; IVS1, 44-BP, SS DEL; c.76_92+27del44 (NM_000518.4).
Identifiers: ClinVar variation 15445 (VCV000015445.4), dbSNP rs63751076, ClinGen allele CA125308.

ClinVar aggregate classification (germline): Likely pathogenic. Review status: criteria provided, single submitter (1 of 4 stars). 3 submissions from 3 submitters: Likely pathogenic (1). 2 of the submissions do not count toward it. Last evaluated 2023-06-05.

Conditions:
Hemoglobinopathy. Also called: Hemoglobin disorder; Haemoglobinopathies. Identifiers: MedGen C0019045, MONDO:0044348.
beta Thalassemia (BTHAL). Also called: Cooley's anemia; Erythroblastic anemia; Mediterranean anemia. Identifiers: Orphanet 848, MedGen C0005283, MONDO:0019402. Disease mechanism: loss of function.
Beta zero thalassemia. Identifiers: MedGen C0271980.

Submissions (3):

Women's Health and Genetics/Laboratory Corporation of America, LabCorp
Classification: Likely pathogenic for Hemoglobinopathy. Last evaluated: 2023-06-05. Review status: criteria provided, single submitter. Criteria: LabCorp Variant Classification Summary - May 2015. Collection method: clinical testing. Allele origin: germline.
Comment: Variant summary: HBB c.76_92+27del44 is located in a canonical splice-site and is predicted to affect mRNA splicing resulting in a significantly altered protein due to either exon skipping, shortening, or inclusion of intronic material, in addition to removing part of the coding sequence of exon 1. Several computational tools predict a significant impact on normal splicing: Three predict the variant abolishes a canonical 5' splicing donor site. However, these predictions have yet to be confirmed by functional studies. The variant was absent in 251226 control chromosomes (gnomAD). c.76_92+27del44 has been reported in the literature in an individual affected with Beta Thalassemia who was compound heterozygous with another likely pathogenic variant (Gonzalez-Redondo_1989). These data suggest the variant may be associated with disease. To our knowledge, no experimental evidence demonstrating an impact on protein function has been reported. The following publication has been ascertained in the context of this evaluation (PMID: 2753736). One submitter has provided a clinical-significance assessment for this variant to ClinVar after 2014, and classified it as pathogenic. Based on the evidence outlined above, the variant was classified as likely pathogenic.

The ITHANET community portal, The Cyprus Institute of Neurology and Genetics
Classification: Pathogenic for beta Thalassemia. Last evaluated: 2019-11-25. Review status: no assertion criteria provided. Collection method: curation. Allele origin: germline. Not counted in ClinVar's aggregate classification.

OMIM
Classification: Pathogenic for BETA-ZERO-THALASSEMIA. Last evaluated: 1984-03-01. Review status: no assertion criteria provided. Collection method: literature only. Allele origin: germline. Not counted in ClinVar's aggregate classification.

Literature cited by the submitters: PubMed 2753736 (cited by Women's Health and Genetics/Laboratory Corporation of America, LabCorp and The ITHANET community portal, The Cyprus Institute of Neurology and Genetics); PubMed 6714226 (cited by OMIM).